The following is an entry in ClinVar:

NM_018993.4(RIN2):c.1291G>A (p.Asp431Asn)

Gene: RIN2 (Ras and Rab interactor 2; plus strand). Cytogenetic location: 20p11.23.
Variant type: single nucleotide variant.
Coding change: c.1291G>A on transcript NM_018993.4 (MANE Select); coding-DNA position 1291, G replaced by A.
Protein change: p.Asp431Asn; replaces aspartic acid 431 with asparagine.
Molecular consequence: missense variant.
Genome position (GRCh38, 1-based): chr20:19,975,316, G>A. VCF-style: chr20-19975316-G-A. GRCh37 (hg19) VCF-style: chr20-19955960-G-A.
Other names: c.1291G>A (NM_018993.3); c.1438G>A, p.Asp480Asn (NM_001242581.2); c.673G>A, p.Asp225Asn (NM_001378238.1); short protein forms D431N, D480N, D225N.
Identifiers: ClinVar variation 1911082 (VCV001911082.6), dbSNP rs750225007, ClinGen allele CA9780060.

ClinVar aggregate classification (germline): Uncertain significance. Review status: criteria provided, multiple submitters, no conflicts (2 of 4 stars). 2 submissions from 2 submitters: Uncertain significance (2). Last evaluated 2025-02-06.

Conditions:
Inborn genetic diseases. Identifiers: MedGen C0950123, MeSH D030342.

Allele frequency attached by ClinVar (database versions not stated): gnomAD 0.00001; TOPMed 0.00001; ExAC 0.00003.
gnomAD v4.1: 12 of 1,608,906 alleles (0.00075%); highest among the groups gnomAD compares: Non-Finnish European, 0.00034%; no homozygotes.

Submissions (2):

Ambry Genetics
Classification: Uncertain significance for Inborn genetic diseases. Last evaluated: 2025-02-06. Review status: criteria provided, single submitter. Criteria: Ambry Variant Classification Scheme 2023. Collection method: clinical testing. Allele origin: germline.

Labcorp Genetics (formerly Invitae), Labcorp
Classification: Uncertain significance. Last evaluated: 2022-06-13. Review status: criteria provided, single submitter. Criteria: Invitae Variant Classification Sherloc (09022015). Collection method: clinical testing. Allele origin: germline.
Comment: Algorithms developed to predict the effect of missense changes on protein structure and function are either unavailable or do not agree on the potential impact of this missense change (SIFT: "Tolerated"; PolyPhen-2: "Not Available"; Align-GVGD: "Class C0"). In summary, the available evidence is currently insufficient to determine the role of this variant in disease. Therefore, it has been classified as a Variant of Uncertain Significance. This variant has not been reported in the literature in individuals affected with RIN2-related conditions. This variant is present in population databases (rs750225007, gnomAD 0.03%). This sequence change replaces aspartic acid, which is acidic and polar, with asparagine, which is neutral and polar, at codon 431 of the RIN2 protein (p.Asp431Asn).